The following is an entry in ClinVar:

ClinVar aggregate classification (germline): Uncertain significance (1 of 4 stars; one submission).

Conditions:
Long QT syndrome (LQTS). Identifiers: MedGen C0023976, MeSH D008133, MONDO:0002442. Disease mechanism: loss of function. Inheritance: Various modes of inheritance.

Submissions (2):

Labcorp Genetics (formerly Invitae), Labcorp
Classification: Uncertain significance for Long QT syndrome. Last evaluated: 2024-10-17. Review status: criteria provided, single submitter. Criteria: Invitae Variant Classification Sherloc (09022015). Collection method: clinical testing. Allele origin: germline.
Comment: This sequence change replaces asparagine, which is neutral and polar, with histidine, which is basic and polar, at codon 75 of the KCNE1 protein (p.Asn75His). This variant is present in population databases (no rsID available, gnomAD 0.1%). This variant has not been reported in the literature in individuals affected with KCNE1-related conditions. Invitae Evidence Modeling of protein sequence and biophysical properties (such as structural, functional, and spatial information, amino acid conservation, physicochemical variation, residue mobility, and thermodynamic stability) indicates that this missense variant is not expected to disrupt KCNE1 protein function with a negative predictive value of 95%. In summary, the available evidence is currently insufficient to determine the role of this variant in disease. Therefore, it has been classified as a Variant of Uncertain Significance.

Roden Lab, Vanderbilt University Medical Center
No classification provided (evidence only). Condition: Long QT syndrome 5. Review status: no classification provided. Collection method: in vitro. Allele origin: not applicable. Functional consequence: Effect on ion channel function. Not counted in ClinVar's aggregate classification.
ClinVar note: "not provided" was previously submitted as the classification for the variant. However, the classification appeared to be based only on an observation of functional data so it was converted to no classification on 2025-07-30.

NM_000219.6(KCNE1):c.223A>C (p.Asn75His)

Gene: KCNE1 (potassium voltage-gated channel subfamily E regulatory subunit 1; minus strand). Cytogenetic location: 21q22.12.
Variant type: single nucleotide variant.
Coding change: c.223A>C on transcript NM_000219.6 (MANE Select); coding-DNA position 223, A replaced by C.
Protein change: p.Asn75His; replaces asparagine 75 with histidine.
Molecular consequence: missense variant.
Genome position (GRCh38, 1-based): chr21:34,449,412, T>G on the plus strand (A>C on the coding strand, the complement: KCNE1 is on the minus strand). VCF-style: chr21-34449412-T-G. GRCh37 (hg19) VCF-style: chr21-35821710-T-G.
Other names: c.223A>C, p.Asn75His (NM_001270402.3, NM_001270403.2, NM_001270404.3 and 4 more transcripts); short protein forms N75H.
Identifiers: ClinVar variation 2871256 (VCV002871256.5), dbSNP rs1228320393, ClinGen allele CA410198241.
Genomic context (GRCh38, chr21:34,449,412, plus strand): 5'-CATAGGCCTTGTCCTTCTCTTGCCAGGCATCGGACTCGATGTAGACGTTGAATGGGTCGT[T>G]CGAGTGCTCCAGCTTCTTGGAGCGGATGTAGCTCAGCATGATGCCCAGGGTGAAGAAGCC-3'
Protein context (NP_000210.2, residues 65-85): YIRSKKLEHS[Asn75His]DPFNVYIESD